The following is an entry in ClinVar:

NM_014363.6(SACS):c.5393_5394del (p.Ser1798fs)

Gene: SACS (sacsin molecular chaperone; minus strand). Cytogenetic location: 13q12.12.
Variant type: Deletion.
Coding change: c.5393_5394del on transcript NM_014363.6 (MANE Select); coding-DNA positions 5393 to 5394, 2 bases deleted (CT; older notation c.5393_5394delCT).
Protein change: p.Ser1798fs; shifts the reading frame from serine 1798.
Molecular consequence: frameshift variant.
Genome position (GRCh38, 1-based): chr13:23,338,482-23,338,483, AG deleted on the plus strand (CT on the coding strand, the reverse complement: SACS is on the minus strand); deleting any 2 consecutive bases within chr13:23,338,482-23,338,484 gives the same sequence; the c. name uses the placement nearest the transcript's 3' end. VCF-style (leftmost placement, unchanged base first): chr13-23338481-CAG-C. GRCh37 (hg19) VCF-style: chr13-23912620-CAG-C.
Other names: c.4952_4953del, p.Ser1651fs (NM_001278055.2); short protein forms S1651fs, S1798fs.
Identifiers: ClinVar variation 1455607 (VCV001455607.6), dbSNP rs2137619202, ClinGen allele CA2573149148.
Genomic context (GRCh38, chr13:23,338,481, plus strand): 5'-GCCACGTGGTACACTCTACTGTTTTCTGTGACAACTCATCTGATGGCTTTTTTGATTGGC[CAG>C]ACTTAGCCATTTCAAAGAGAGCAGCTGGGTCATCATCTGGACCTCTAAAAAGTGGCGACT-3'

ClinVar aggregate classification (germline): Pathogenic (1 of 4 stars; one submission).

Conditions:
Spastic paraplegia. Identifiers: MedGen C0037772, HP:0001258.

Submission:

Labcorp Genetics (formerly Invitae), Labcorp
Classification: Pathogenic for Spastic paraplegia. Last evaluated: 2021-12-08. Review status: criteria provided, single submitter. Criteria: Invitae Variant Classification Sherloc (09022015). Collection method: clinical testing. Allele origin: germline.
Comment: This sequence change creates a premature translational stop signal (p.Ser1798Trpfs*9) in the SACS gene. While this is not anticipated to result in nonsense mediated decay, it is expected to disrupt the last 2782 amino acid(s) of the SACS protein. This variant is not present in population databases (gnomAD no frequency). This variant has not been reported in the literature in individuals affected with SACS-related conditions. This variant disrupts a region of the SACS protein in which other variant(s) (p.Tyr4538*) have been determined to be pathogenic (Invitae). This suggests that this is a clinically significant region of the protein, and that variants that disrupt it are likely to be disease-causing. For these reasons, this variant has been classified as Pathogenic.